The following is an entry in ClinVar:

ClinVar aggregate classification (germline): Uncertain significance (1 of 4 stars; one submission).

Conditions:
Acute myeloid leukemia (AML). Also called: Acute myeloid leukemia, adult; AML adult; Acute non-lymphocytic leukemia; Acute granulocytic leukemia; Leukemia, acute myelogenous, somatic; Leukemia, acute myeloid, somatic. Identifiers: Orphanet 519, MedGen C0023467, MeSH D015470, MONDO:0018874, OMIM 601626, HP:0004808. Disease mechanism: Constitutively activated FLT3.

Submission:

Labcorp Genetics (formerly Invitae), Labcorp
Classification: Uncertain significance for Acute myeloid leukemia. Last evaluated: 2024-01-31. Review status: criteria provided, single submitter. Criteria: Invitae Variant Classification Sherloc (09022015). Collection method: clinical testing. Allele origin: germline.
Comment: This sequence change replaces arginine, which is basic and polar, with serine, which is neutral and polar, at codon 165 of the CEBPA protein (p.Arg165Ser). This variant is not present in population databases (gnomAD no frequency). This variant has not been reported in the literature in individuals affected with CEBPA-related conditions. ClinVar contains an entry for this variant (Variation ID: 962549). Advanced modeling of protein sequence and biophysical properties (such as structural, functional, and spatial information, amino acid conservation, physicochemical variation, residue mobility, and thermodynamic stability) performed at Invitae indicates that this missense variant is not expected to disrupt CEBPA protein function with a negative predictive value of 80%. In summary, the available evidence is currently insufficient to determine the role of this variant in disease. Therefore, it has been classified as a Variant of Uncertain Significance.

NM_004364.5(CEBPA):c.493C>A (p.Arg165Ser)

Gene: CEBPA (CCAAT enhancer binding protein alpha; minus strand). Cytogenetic location: 19q13.11.
Variant type: single nucleotide variant.
Coding change: c.493C>A on transcript NM_004364.5 (MANE Select); coding-DNA position 493, C replaced by A.
Protein change: p.Arg165Ser; replaces arginine 165 with serine.
Molecular consequence: missense variant.
Genome position (GRCh38, 1-based): chr19:33,301,922, G>T on the plus strand (C>A on the coding strand, the complement: CEBPA is on the minus strand). VCF-style: chr19-33301922-G-T. GRCh37 (hg19) VCF-style: chr19-33792828-G-T.
Other names: c.136C>A, p.Arg46Ser (NM_001285829.2); c.598C>A, p.Arg200Ser (NM_001287424.2); c.451C>A, p.Arg151Ser (NM_001287435.2); short protein forms R151S, R165S, R46S, R200S.
Identifiers: ClinVar variation 962549 (VCV000962549.10), dbSNP rs1967182334, ClinGen allele CA405274838.
Genomic context (GRCh38, chr19:33,301,922, plus strand): 5'-GCGGCGGCTGGTAAGGGAAGAGGCCGGCCAGCGCCAGCTGCTTGGCTTCATCCTCCTCGC[G>T]GGGCTCCTGCTTGATCACCAGCGGCCGCAGCGCCGGCGCCCCGACGCGCTCGTACAGGGG-3'
Protein context (NP_004355.2, residues 155-175): LRPLVIKQEP[Arg165Ser]EEDEAKQLAL